The following is an entry in ClinVar:

ClinVar aggregate classification (germline): Benign/Likely benign. Review status: criteria provided, multiple submitters, no conflicts (2 of 4 stars). 4 submissions from 4 submitters: Benign (1); Likely benign (3). Last evaluated 2026-01-27.

Conditions:
Hereditary pheochromocytoma and paraganglioma. Also called: Hereditary Paraganglioma-Pheochromocytoma Syndromes; Hereditary pheochromocytoma-paraganglioma; Hereditary paragangliomas and pheochromocytomas. Identifiers: Orphanet 29072, MedGen C4274332, MONDO:0017366.
Pheochromocytoma/paraganglioma syndrome 4. Also called: PARAGANGLIOMA, FAMILIAL MALIGNANT; PARAGANGLIOMAS, HEREDITARY EXTRAADRENAL; PHEOCHROMOCYTOMA, FAMILIAL EXTRAADRENAL; Paragangliomas 4; CAROTID BODY TUMORS AND MULTIPLE EXTRAADRENAL PHEOCHROMOCYTOMAS; SDHB-Related Hereditary Paraganglioma-Pheochromocytoma Syndrome (Paragangliomas 4). Identifiers: Orphanet 29072, MedGen C1861848, MONDO:0007273, OMIM 115310.
Gastrointestinal stromal tumor. Also called: Gastrointestinal stroma tumor; Gastrointestinal stromal tumor, somatic. Identifiers: Orphanet 44890, MedGen C0238198, MeSH D046152, MONDO:0011719, OMIM 606764, HP:0100723.
Pheochromocytoma. Also called: MAX-Related Hereditary Paraganglioma-Pheochromocytoma Syndrome. Identifiers: Orphanet 29072, MedGen C0031511, MONDO:0008233, OMIM 171300, HP:0002666.
Hereditary cancer-predisposing syndrome. Also called: Neoplastic Syndromes, Hereditary; Hereditary Cancer Syndrome; Hereditary neoplastic syndrome; Tumor predisposition. Identifiers: Orphanet 140162, MedGen C0027672, MeSH D009386, MONDO:0015356.

Allele frequency attached by ClinVar (database versions not stated): gnomAD exomes below 0.00001; ExAC 0.00001; TOPMed 0.00001.
gnomAD v4.1: 2 of 1,614,166 alleles (0.00012%); highest among the groups gnomAD compares: South Asian, 0.0011%; no homozygotes.

Submissions (4):

Labcorp Genetics (formerly Invitae), Labcorp
Classification: Likely benign for Gastrointestinal stromal tumor; Pheochromocytoma/paraganglioma syndrome 4; Pheochromocytoma. Last evaluated: 2026-01-27. Review status: criteria provided, single submitter. Criteria: Invitae Variant Classification Sherloc (09022015). Collection method: clinical testing. Allele origin: germline.

Color Diagnostics, LLC DBA Color Health
Classification: Likely benign for Hereditary pheochromocytoma and paraganglioma. Last evaluated: 2025-07-14. Review status: criteria provided, single submitter. Criteria: ACMG Guidelines, 2015. Collection method: clinical testing. Allele origin: germline.

Myriad Genetics, Inc.
Classification: Benign for Pheochromocytoma/paraganglioma syndrome 4. Last evaluated: 2025-03-12. Review status: criteria provided, single submitter. Criteria: Myriad Autosomal Dominant, Autosomal Recessive and X-Linked Classification Criteria (2023). Collection method: clinical testing. Allele origin: unknown.
Comment: This variant is considered benign. This variant is a silent/synonymous amino acid change and it is not expected to impact splicing.

Ambry Genetics
Classification: Likely benign for Hereditary cancer-predisposing syndrome. Last evaluated: 2019-04-17. Review status: criteria provided, single submitter. Criteria: Ambry Variant Classification Scheme 2023. Collection method: clinical testing. Allele origin: germline.

NM_003000.3(SDHB):c.339C>T (p.Cys113=)

Gene: SDHB (succinate dehydrogenase complex iron sulfur subunit B; minus strand). Cytogenetic location: 1p36.13.
Variant type: single nucleotide variant.
Coding change: c.339C>T on transcript NM_003000.3 (MANE Select); coding-DNA position 339, C replaced by T.
Protein change: p.Cys113=; no amino-acid change (cysteine 113 retained).
Molecular consequence: synonymous variant.
Genome position (GRCh38, 1-based): chr1:17,028,684, G>A on the plus strand (C>T on the coding strand, the complement: SDHB is on the minus strand). VCF-style: chr1-17028684-G-A. GRCh37 (hg19) VCF-style: chr1-17355179-G-A.
Identifiers: ClinVar variation 417301 (VCV000417301.17), dbSNP rs754582722, ClinGen allele CA089590.